The following is an entry in ClinVar:

ClinVar aggregate classification (germline): Benign/Likely benign. Review status: criteria provided, multiple submitters, no conflicts (2 of 4 stars). 9 submissions from 8 submitters: Benign (5); Likely benign (4). Last evaluated 2026-01-20.

Conditions:
Spherocytosis. Identifiers: MedGen C0553720, HP:0004444.
Hereditary spherocytosis type 1. Also called: Spherocytosis type 1; ANK1-Related Spherocytosis. Identifiers: Orphanet 822, MedGen C2674218, MONDO:0008447, OMIM 182900.

Allele frequency attached by ClinVar (database versions not stated): 1000 Genomes Project 30x 0.00671; 1000 Genomes Project 0.00699; gnomAD exomes 0.01154 and 0.01791; gnomAD 0.01215 and 0.01280; TOPMed 0.01220; ESP Exome Variant Server 0.01399; ExAC 0.02249.

Submissions (9):

Labcorp Genetics (formerly Invitae), Labcorp
Classification: Benign. Last evaluated: 2026-01-20. Review status: criteria provided, single submitter. Criteria: Invitae Variant Classification Sherloc (09022015). Collection method: clinical testing. Allele origin: germline.

ARUP Laboratories, Molecular Genetics and Genomics, ARUP Laboratories
Classification: Benign for Hereditary spherocytosis type 1. Last evaluated: 2025-07-17. Review status: criteria provided, single submitter. Criteria: ARUP Molecular Germline Variant Investigation Process 2024. Collection method: clinical testing. Allele origin: germline.

Blueprint Genetics
Classification: Likely benign. Last evaluated: 2024-11-27. Review status: criteria provided, single submitter. Criteria: ACMG Guidelines, 2015. Collection method: clinical testing. Allele origin: germline.

Mayo Clinic Laboratories, Mayo Clinic
Classification: Likely benign. Last evaluated: 2024-11-22. Review status: criteria provided, single submitter. Criteria: ACMG Guidelines, 2015. Collection method: clinical testing. Allele origin: germline. Observed: 60 variant alleles.
Comment: BS2

Genome-Nilou Lab
Classification: Benign for Hereditary spherocytosis type 1. Last evaluated: 2021-12-05. Review status: criteria provided, single submitter. Criteria: ACMG Guidelines, 2015. Collection method: clinical testing. Allele origin: germline. Affected: no.

Illumina Laboratory Services, Illumina
Classification: Benign for Hereditary spherocytosis type 1. Last evaluated: 2018-01-12. Review status: criteria provided, single submitter. Criteria: ICSL Variant Classification Criteria 13 December 2019. Collection method: clinical testing. Allele origin: germline.
Comment: This variant was observed in the ICSL laboratory as part of a predisposition screen in an ostensibly healthy population. It had not been previously curated by ICSL or reported in the Human Gene Mutation Database (HGMD: prior to June 1st, 2018), and was therefore a candidate for classification through an automated scoring system. Utilizing variant allele frequency, disease prevalence and penetrance estimates, and inheritance mode, an automated score was calculated to assess if this variant is too frequent to cause the disease. Based on the score and internal cut-off values, a variant classified as benign is not then subjected to further curation. The score for this variant resulted in a classification of benign for this disease.

Illumina Laboratory Services, Illumina
Classification: Likely benign for Spherocytosis. Last evaluated: 2018-01-12. Review status: criteria provided, single submitter. Criteria: ICSL Variant Classification Criteria 13 December 2019. Collection method: clinical testing. Allele origin: germline.
Comment: This variant was observed in the ICSL laboratory as part of a predisposition screen in an ostensibly healthy population. It had not been previously curated by ICSL or reported in the Human Gene Mutation Database (HGMD: prior to June 1st, 2018), and was therefore a candidate for classification through an automated scoring system. Utilizing variant allele frequency, disease prevalence and penetrance estimates, and inheritance mode, an automated score was calculated to assess if this variant is too frequent to cause the disease. Based on the score and internal cut-off values, a variant classified as likely benign is not then subjected to further curation. The score for this variant resulted in a classification of likely benign for this disease.

PreventionGenetics, part of Exact Sciences
Classification: Benign. Last evaluated: 2016-04-26. Review status: criteria provided, single submitter. Criteria: ACMG Guidelines, 2015. Collection method: clinical testing. Allele origin: germline.

Breakthrough Genomics
Classification: Likely benign. Review status: criteria provided, single submitter. Criteria: ACMG Guidelines, 2015. Collection method: not provided. Allele origin: germline. Inheritance: Autosomal dominant inheritance. Affected: yes.

NM_000037.4(ANK1):c.654C>A (p.Asn218Lys)

Gene: ANK1 (ankyrin 1; minus strand). Cytogenetic location: 8p11.21.
Variant type: single nucleotide variant.
Coding change: c.654C>A on transcript NM_000037.4 (MANE Select); coding-DNA position 654, C replaced by A.
Protein change: p.Asn218Lys; replaces asparagine 218 with lysine.
Molecular consequence: missense variant.
Genome position (GRCh38, 1-based): chr8:41,724,513, G>T on the plus strand (C>A on the coding strand, the complement: ANK1 is on the minus strand). VCF-style: chr8-41724513-G-T. GRCh37 (hg19) VCF-style: chr8-41582031-G-T.
Other names: p.Asn218Lys; c.753C>A, p.Asn251Lys (NM_001142446.2); c.654C>A, p.Asn218Lys (NM_020475.3, NM_020476.3, NM_020477.3); short protein forms N218K, N251K.
Identifiers: ClinVar variation 261321 (VCV000261321.28), dbSNP rs61735313, ClinGen allele CA4728910.